The following is an entry in ClinVar:

NM_015261.3(NCAPD3):c.3546G>A (p.Gln1182=)

Gene: NCAPD3 (non-SMC condensin II complex subunit D3; minus strand). Cytogenetic location: 11q25.
Variant type: single nucleotide variant.
Coding change: c.3546G>A on transcript NM_015261.3 (MANE Select); coding-DNA position 3546, G replaced by A.
Protein change: p.Gln1182=; no amino-acid change (glutamine 1182 retained).
Molecular consequence: synonymous variant.
Genome position (GRCh38, 1-based): chr11:134,168,023, C>T on the plus strand (G>A on the coding strand, the complement: NCAPD3 is on the minus strand). VCF-style: chr11-134168023-C-T. GRCh37 (hg19) VCF-style: chr11-134037918-C-T.
Other names: c.3546G>A, p.Gln1182= (NM_001372065.1, NM_001372068.1); c.3132G>A, p.Gln1044= (NM_001372069.1, NM_001372070.1).
Identifiers: ClinVar variation 734324 (VCV000734324.29), dbSNP rs61752298, ClinGen allele CA6370810.

ClinVar aggregate classification (germline): Benign/Likely benign. Review status: criteria provided, multiple submitters, no conflicts (2 of 4 stars). 5 submissions from 5 submitters: Benign (2); Likely benign (2). 1 of the submissions does not count toward it. Last evaluated 2025-06-01.

Conditions:
NCAPD3-related disorder. Also called: NCAPD3-related condition.

Allele frequency attached by ClinVar (database versions not stated): 1000 Genomes Project 0.00120; 1000 Genomes Project 30x 0.00141; TOPMed 0.00159; gnomAD 0.00202 and 0.00210; gnomAD exomes 0.00205; ExAC 0.00221; ESP Exome Variant Server 0.00223.
gnomAD v4.1: 4,150 of 1,614,058 alleles (0.26%); highest among the groups gnomAD compares: Non-Finnish European, 0.31%; 15 homozygotes.

Submissions (5):

CeGaT Center for Human Genetics Tuebingen
Classification: Likely benign. Last evaluated: 2025-06-01. Review status: criteria provided, single submitter. Criteria: CeGaT Center For Human Genetics Tuebingen Variant Classification Criteria Version 2. Collection method: clinical testing. Allele origin: germline. Affected: yes. Observed: 2 variant alleles.
Comment: NCAPD3: BP4, BS2

Blueprint Genetics
Classification: Likely benign. Last evaluated: 2024-11-08. Review status: criteria provided, single submitter. Criteria: ACMG Guidelines, 2015. Collection method: clinical testing. Allele origin: germline.

Labcorp Genetics (formerly Invitae), Labcorp
Classification: Benign. Last evaluated: 2019-12-31. Review status: criteria provided, single submitter. Criteria: Invitae Variant Classification Sherloc (09022015). Collection method: clinical testing. Allele origin: germline.

Breakthrough Genomics
Classification: Benign. Review status: criteria provided, single submitter. Criteria: ACMG Guidelines, 2015. Collection method: not provided. Allele origin: germline. Inheritance: Autosomal recessive inheritance. Affected: yes.

PreventionGenetics, part of Exact Sciences
Classification: Likely benign for NCAPD3-related condition. Last evaluated: 2021-03-30. Review status: no assertion criteria provided. Collection method: clinical testing. Allele origin: germline. Not counted in ClinVar's aggregate classification.
Comment: This variant is classified as likely benign based on ACMG/AMP sequence variant interpretation guidelines (Richards et al. 2015 PMID: 25741868, with internal and published modifications).